The following is an entry in ClinVar:

NM_178537.5(B4GALNT4):c.927G>C (p.Pro309=)

Gene: B4GALNT4 (beta-1,4-N-acetyl-galactosaminyltransferase 4; plus strand). Cytogenetic location: 11p15.5.
Variant type: single nucleotide variant.
Coding change: c.927G>C on transcript NM_178537.5 (MANE Select); coding-DNA position 927, G replaced by C.
Protein change: p.Pro309=; no amino-acid change (proline 309 retained).
Molecular consequence: synonymous variant.
Genome position (GRCh38, 1-based): chr11:375,715, G>C. VCF-style: chr11-375715-G-C. GRCh37 (hg19) VCF-style: chr11-375715-G-C.
Identifiers: ClinVar variation 2641039 (VCV002641039.24), dbSNP rs1363430302, ClinGen allele CA472425581.

ClinVar aggregate classification (germline): Likely benign (1 of 4 stars; one submission).

gnomAD v4.1: 1 of 1,595,312 alleles (0.000063%); highest among the groups gnomAD compares: Non-Finnish European, 0.000085%; no homozygotes.

Submission:

CeGaT Center for Human Genetics Tuebingen
Classification: Likely benign. Last evaluated: 2022-08-01. Review status: criteria provided, single submitter. Criteria: CeGaT Center For Human Genetics Tuebingen Variant Classification Criteria Version 2. Collection method: clinical testing. Allele origin: germline. Affected: yes. Observed: 1 variant allele.
Comment: B4GALNT4: PM2:Supporting, BP4, BP7